The following is an entry in ClinVar:

ClinVar aggregate classification (germline): Uncertain significance (1 of 4 stars; one submission).

Conditions:
Familial sleep-related hypermotor epilepsy. Also called: Autosomal Dominant Sleep-Related Hypermotor (Hyperkinetic) Epilepsy. Identifiers: Orphanet 98784, MedGen C3696898, MONDO:0000030.

Submission:

Labcorp Genetics (formerly Invitae), Labcorp
Classification: Uncertain significance. Last evaluated: 2020-01-25. Review status: criteria provided, single submitter. Criteria: Invitae Variant Classification Sherloc (09022015). Collection method: clinical testing. Allele origin: germline.
Comment: In summary, the available evidence is currently insufficient to determine the role of this variant in disease. Therefore, it has been classified as a Variant of Uncertain Significance. This variant has not been reported in the literature in individuals with CHRNA4-related conditions. This variant is not present in population databases (ExAC no frequency). This variant, c.1603_1605del, results in the deletion of 1 amino acid(s) of the CHRNA4 protein (p.Lys535del), but otherwise preserves the integrity of the reading frame.

NM_000744.7(CHRNA4):c.1600AAG[1] (p.Lys535del)

Gene: CHRNA4 (cholinergic receptor nicotinic alpha 4 subunit; minus strand). Cytogenetic location: 20q13.33.
Variant type: Microsatellite.
Coding change: c.1600AAG[1] on transcript NM_000744.7 (MANE Select); one copy of the 3-base unit AAG starting at c.1600; the reference has two copies in a row; one copy, 3 bases deleted.
Protein change: p.Lys535del; deletes lysine 535.
Molecular consequence: inframe deletion. On other transcripts: non-coding transcript variant (1).
Genome position (GRCh38, 1-based): chr20:63,349,806-63,349,808, CTT deleted on the plus strand (AAG on the coding strand, the reverse complement: CHRNA4 is on the minus strand); deleting any 3 consecutive bases within chr20:63,349,806-63,349,811 gives the same sequence; the position shown is the placement nearest the transcript's 3' end. VCF-style (leftmost placement, unchanged base first): chr20-63349805-CCTT-C. GRCh37 (hg19) VCF-style: chr20-61981157-CCTT-C.
Other names: c.1072AAG[1], p.Lys359del (NM_001256573.2); short protein forms K359del, K535del.
Identifiers: ClinVar variation 863645 (VCV000863645.9), dbSNP rs2068554810, ClinGen allele CA916083769.
Genomic context (GRCh38, chr20:63,349,805, plus strand): 5'-GGGGCGGCGCTTTGGTGCTGCGGGTCTTGACCGTGGCGCTCGGGGACACCGAAGAGGGCT[CCTT>C]CTTGCATGTGCATTTGCACGGAGAGGGCTGGTCTGGGGGTGGGAGCTCAGCCGAGTGGGT-3'